The following is an entry in ClinVar:

ClinVar aggregate classification (germline): Uncertain significance (0 of 4 stars; one submission).

Conditions:
ANK3-related disorder. Also called: ANK3-related condition.

Allele frequency attached by ClinVar (database versions not stated): ExAC 0.00001; TOPMed 0.00002; gnomAD 0.00003; ESP Exome Variant Server 0.00015.
gnomAD v4.1: 22 of 1,613,916 alleles (0.0014%); highest among the groups gnomAD compares: Non-Finnish European, 0.0018%; no homozygotes.

Submission:

PreventionGenetics, part of Exact Sciences
Classification: Uncertain significance for ANK3-related condition. Last evaluated: 2023-11-21. Review status: no assertion criteria provided. Collection method: clinical testing. Allele origin: germline.
Comment: The ANK3 c.8929G>A variant is predicted to result in the amino acid substitution p.Asp2977Asn. To our knowledge, this variant has not been reported in the literature. This variant is reported in 0.0023% of alleles in individuals of European (Non-Finnish) descent in gnomAD. At this time, the clinical significance of this variant is uncertain due to the absence of conclusive functional and genetic evidence.

NM_020987.5(ANK3):c.8929G>A (p.Asp2977Asn)

Gene: ANK3 (ankyrin 3; minus strand). Cytogenetic location: 10q21.2.
Variant type: single nucleotide variant.
Coding change: c.8929G>A on transcript NM_020987.5 (MANE Select); coding-DNA position 8929, G replaced by A.
Protein change: p.Asp2977Asn; replaces aspartic acid 2977 with asparagine.
Molecular consequence: missense variant. On other transcripts: intron variant (4).
Genome position (GRCh38, 1-based): chr10:60,071,952, C>T on the plus strand (G>A on the coding strand, the complement: ANK3 is on the minus strand). VCF-style: chr10-60071952-C-T. GRCh37 (hg19) VCF-style: chr10-61831710-C-T.
Other names: c.4388-3943G>A (NM_001204403.2); c.4409-3943G>A (NM_001204404.2); c.4406-3943G>A (NM_001320874.2); c.1808-3943G>A (NM_001149.4); short protein forms D2977N.
Identifiers: ClinVar variation 3032909 (VCV003032909.2), dbSNP rs377666009, ClinGen allele CA5511466.
Genomic context (GRCh38, chr10:60,071,952, plus strand): 5'-ACTGGGACAATTTTTGTGATAGTTCATGTTTTGGAAATGCCGACTGTTCACAAAAACCAT[C>T]GGGAATATTAGAAGACAGCATTCTCCTCTCATCAGCAACTCTGACGGGAATGTGTGACAC-3'
Protein context (NP_066267.2, residues 2967-2987): ERRMLSSNIP[Asp2977Asn]GFCEQSAFPK